The following is an entry in ClinVar:

ClinVar aggregate classification (germline): Likely benign. Review status: criteria provided, multiple submitters, no conflicts (2 of 4 stars). 2 submissions from 2 submitters: Likely benign (2). Last evaluated 2026-05-13.

Conditions:
RPGRIP1L-related disorder. Also called: RPGRIP1L-related condition; RPGRIP1L-related disorders. Identifiers: MedGen CN239416.
Meckel-Gruber syndrome. Also called: Dysencephalia splachnocystica; DYSENCEPHALIA SPLANCHNOCYSTICA; GRUBER SYNDROME. Identifiers: Orphanet 564, MedGen C0265215, MONDO:0018921.
Joubert syndrome. Also called: Familial aplasia of the vermis; JOUBERT-BOLTSHAUSER SYNDROME. Identifiers: Orphanet 475, MedGen C5979921, MONDO:0018772.

Allele frequency attached by ClinVar (database versions not stated): gnomAD exomes below 0.00001; TOPMed 0.00001.
gnomAD v4.1: 4 of 1,611,566 alleles (0.00025%); highest among the groups gnomAD compares: Non-Finnish European, 0.00034%; no homozygotes.

Submissions (2):

PreventionGenetics, part of Exact Sciences
Classification: Likely benign for RPGRIP1L-related condition. Last evaluated: 2026-05-13. Review status: criteria provided, single submitter. Criteria: ACMG Guidelines, 2015. Collection method: clinical testing. Allele origin: germline.
Comment: This variant is classified as likely benign based on ACMG/AMP sequence variant interpretation guidelines (Richards et al. 2015 PMID: 25741868, with internal and published modifications).

Labcorp Genetics (formerly Invitae), Labcorp
Classification: Likely benign for Joubert syndrome; Meckel-Gruber syndrome. Last evaluated: 2023-06-03. Review status: criteria provided, single submitter. Criteria: Invitae Variant Classification Sherloc (09022015). Collection method: clinical testing. Allele origin: germline.

NM_015272.5(RPGRIP1L):c.2153-19G>A

Gene: RPGRIP1L (RPGRIP1 like; minus strand). Cytogenetic location: 16q12.2.
Variant type: single nucleotide variant.
Coding change: c.2153-19G>A on transcript NM_015272.5 (MANE Select); 19 bases into the intron before coding-DNA position 2153, G replaced by A.
Molecular consequence: intron variant.
Genome position (GRCh38, 1-based): chr16:53,649,134, C>T on the plus strand (G>A on the coding strand, the complement: RPGRIP1L is on the minus strand). VCF-style: chr16-53649134-C-T. GRCh37 (hg19) VCF-style: chr16-53683046-C-T.
Other names: c.2153-19G>A (NM_015272.4, NM_001127897.4, NM_001330538.2 and 1 more transcripts).
Identifiers: ClinVar variation 2930032 (VCV002930032.4), dbSNP rs988899852, ClinGen allele CA281341963.